The following is an entry in ClinVar:

NM_020812.4(DOCK6):c.1988A>G (p.Gln663Arg)

Gene: DOCK6 (dedicator of cytokinesis 6; minus strand). Cytogenetic location: 19p13.2.
Variant type: single nucleotide variant.
Coding change: c.1988A>G on transcript NM_020812.4 (MANE Select); coding-DNA position 1988, A replaced by G.
Protein change: p.Gln663Arg; replaces glutamine 663 with arginine.
Molecular consequence: missense variant.
Genome position (GRCh38, 1-based): chr19:11,237,541, T>C on the plus strand (A>G on the coding strand, the complement: DOCK6 is on the minus strand). VCF-style: chr19-11237541-T-C. GRCh37 (hg19) VCF-style: chr19-11348217-T-C.
Other names: c.1988A>G, p.Gln663Arg (NM_001367830.1); short protein forms Q663R.
Identifiers: ClinVar variation 1921185 (VCV001921185.5), dbSNP rs1485578191, ClinGen allele CA404101254.

ClinVar aggregate classification (germline): Uncertain significance (1 of 4 stars; one submission).

Allele frequency attached by ClinVar (database versions not stated): gnomAD exomes below 0.00001.
gnomAD v4.1: 2 of 1,593,624 alleles (0.00013%); highest among the groups gnomAD compares: Admixed American, 0.0035%; no homozygotes.

Submission:

Labcorp Genetics (formerly Invitae), Labcorp
Classification: Uncertain significance. Last evaluated: 2022-07-06. Review status: criteria provided, single submitter. Criteria: Invitae Variant Classification Sherloc (09022015). Collection method: clinical testing. Allele origin: germline.
Comment: In summary, the available evidence is currently insufficient to determine the role of this variant in disease. Therefore, it has been classified as a Variant of Uncertain Significance. Algorithms developed to predict the effect of missense changes on protein structure and function (SIFT, PolyPhen-2, Align-GVGD) all suggest that this variant is likely to be tolerated. This variant has not been reported in the literature in individuals affected with DOCK6-related conditions. This variant is present in population databases (no rsID available, gnomAD 0.006%). This sequence change replaces glutamine, which is neutral and polar, with arginine, which is basic and polar, at codon 663 of the DOCK6 protein (p.Gln663Arg).